The following is an entry in ClinVar:

NM_023110.3(FGFR1):c.2152C>G (p.Arg718Gly)

Gene: FGFR1 (fibroblast growth factor receptor 1; minus strand). Cytogenetic location: 8p11.23.
Variant type: single nucleotide variant.
Coding change: c.2152C>G on transcript NM_023110.3 (MANE Select); coding-DNA position 2152, C replaced by G.
Protein change: p.Arg718Gly; replaces arginine 718 with glycine.
Molecular consequence: missense variant.
Genome position (GRCh38, 1-based): chr8:38,414,186, G>C on the plus strand (C>G on the coding strand, the complement: FGFR1 is on the minus strand). VCF-style: chr8-38414186-G-C. GRCh37 (hg19) VCF-style: chr8-38271704-G-C.
Other names: c.2146C>G, p.Arg716Gly (NM_001174063.2, NM_001174065.2, NM_001354367.2 and 1 more transcripts); c.2122C>G, p.Arg708Gly (NM_001174064.2); c.1885C>G, p.Arg629Gly (NM_001174066.2, NM_023105.3); c.2245C>G, p.Arg749Gly (NM_001174067.2); c.1873C>G, p.Arg625Gly (NM_001354368.2); c.2140C>G, p.Arg714Gly (NM_001354369.2); c.1879C>G, p.Arg627Gly (NM_001354370.2, NM_023106.3); short protein forms R718G, R716G, R625G, R629G, R708G, R714G, R749G, R627G.
Identifiers: ClinVar variation 379237 (VCV000379237.2), dbSNP rs1057520536, ClinGen allele CA16606093.

ClinVar aggregate classification (germline): Pathogenic (1 of 4 stars; one submission).

Submission:

GeneDx
Classification: Pathogenic. Last evaluated: 2015-03-21. Review status: criteria provided, single submitter. Criteria: GeneDx Variant Classification (06012015). Collection method: clinical testing. Allele origin: germline. Affected: yes.
Comment: The R718G variant in the FGFR1 gene has not been reported previously as a pathogenic variant nor as a benign polymorphism, to our knowledge. The R718G substitution was not observed in approximately6400 individuals of European and African American ancestry in the NHLBI Exome Sequencing Project,indicating it is not a common benign variant in these populations. The R718G variant is a non-conservative amino acid substitution, which is likely to impact secondary protein structure as these residues differ in polarity, charge, size and/or other properties. This substitution occurs at a position that is well-conserved across species. In silico analysis predicts this variant is probably damaging to the protein structure/function. Missense variants in nearby residues (M719R, P722Y, C725Y) as well as a missense variant in the same residue (R718C) have been reported in the Human Gene Mutation Database in association with Kallmann syndrome and Hartsfield syndrome (Stenson et al., 2014), supporting thefunctional importance of this region of the protein. We interpret R718G as a pathogenic variant.